The following is an entry in ClinVar:

NM_021969.3(NR0B2):c.614C>T (p.Pro205Leu)

Genes: NR0B2 (nuclear receptor subfamily 0 group B member 2; minus strand), NUDC (nuclear distribution C, dynein complex regulator; plus strand). Cytogenetic location: 1p36.11.
Variant type: single nucleotide variant.
Coding change: c.614C>T on transcript NM_021969.3 (MANE Select); coding-DNA position 614, C replaced by T.
Protein change: p.Pro205Leu; replaces proline 205 with leucine.
Molecular consequence: missense variant.
Genome position (GRCh38, 1-based): chr1:26,912,005, G>A on the plus strand (C>T on the coding strand, the complement: NR0B2 is on the minus strand). VCF-style: chr1-26912005-G-A. GRCh37 (hg19) VCF-style: chr1-27238496-G-A.
Other names: short protein forms P205L.
Identifiers: ClinVar variation 4988370 (VCV004988370.1).

ClinVar aggregate classification (germline): Uncertain significance (1 of 4 stars; one submission).

Conditions:
NR0B2-related disorder. Also called: NR0B2-related condition.

gnomAD v4.1: 7 of 1,614,104 alleles (0.00043%); highest among the groups gnomAD compares: African/African-American, 0.004%; no homozygotes.

Submission:

PreventionGenetics, part of Exact Sciences
Classification: Uncertain significance for NR0B2-related condition. Last evaluated: 2026-05-05. Review status: criteria provided, single submitter. Criteria: ACMG Guidelines, 2015. Collection method: clinical testing. Allele origin: germline.
Comment: The NR0B2 c.614C>T variant is predicted to result in the amino acid substitution p.Pro205Leu. To our knowledge, this variant has not been reported in the literature. This variant is reported in 0.012% of alleles in individuals of African descent in gnomAD. At this time, the clinical significance of this variant is uncertain due to the absence of conclusive functional and genetic evidence.